The following is an entry in ClinVar:

ClinVar aggregate classification (germline): Uncertain significance (1 of 4 stars; one submission).

gnomAD v4.1: 1 of 1,613,980 alleles (0.000062%); highest among the groups gnomAD compares: Non-Finnish European, 0.000085%; no homozygotes.

Submission:

GeneDx
Classification: Uncertain significance. Last evaluated: 2023-06-30. Review status: criteria provided, single submitter. Criteria: GeneDx Variant Classification Process June 2021. Collection method: clinical testing. Allele origin: germline. Affected: yes.
Comment: Not observed at significant frequency in large population cohorts (gnomAD); In silico analysis supports that this missense variant does not alter protein structure/function; Has not been previously published as pathogenic or benign to our knowledge

NM_005121.3(MED13):c.5363A>G (p.Asn1788Ser)

Gene: MED13 (mediator complex subunit 13; minus strand). Cytogenetic location: 17q23.2.
Variant type: single nucleotide variant.
Coding change: c.5363A>G on transcript NM_005121.3 (MANE Select); coding-DNA position 5363, A replaced by G.
Protein change: p.Asn1788Ser; replaces asparagine 1788 with serine.
Molecular consequence: missense variant.
Genome position (GRCh38, 1-based): chr17:61,960,984, T>C on the plus strand (A>G on the coding strand, the complement: MED13 is on the minus strand). VCF-style: chr17-61960984-T-C. GRCh37 (hg19) VCF-style: chr17-60038345-T-C.
Other names: short protein forms N1788S.
Identifiers: ClinVar variation 3360452 (VCV003360452.1).